The following is an entry in ClinVar:

NM_000059.4(BRCA2):c.3170A>G (p.Lys1057Arg)

Gene: BRCA2 (BRCA2 DNA repair associated; plus strand). Cytogenetic location: 13q13.1.
Variant type: single nucleotide variant.
Coding change: c.3170A>G on transcript NM_000059.4 (MANE Select); coding-DNA position 3170, A replaced by G.
Protein change: p.Lys1057Arg; replaces lysine 1057 with arginine.
Molecular consequence: missense variant.
Genome position (GRCh38, 1-based): chr13:32,337,525, A>G. VCF-style: chr13-32337525-A-G. GRCh37 (hg19) VCF-style: chr13-32911662-A-G.
Other names: short protein forms K1057R.
Identifiers: ClinVar variation 51417 (VCV000051417.13), dbSNP rs80358562, ClinGen allele CA017433.

ClinVar aggregate classification (germline): Conflicting classifications of pathogenicity. Review status: criteria provided, conflicting classifications (1 of 4 stars). 8 submissions from 8 submitters: Uncertain significance (5); Likely benign (2). 1 of the submissions does not count toward it. Last evaluated 2025-04-14.

Conditions:
Hereditary cancer-predisposing syndrome. Also called: Neoplastic Syndromes, Hereditary; Tumor predisposition; Hereditary Cancer Syndrome; Hereditary neoplastic syndrome. Identifiers: Orphanet 140162, MedGen C0027672, MeSH D009386, MONDO:0015356.
Hereditary breast ovarian cancer syndrome. Also called: Hereditary breast and ovarian cancer syndrome; Hereditary breast and ovarian cancer; Hereditary breast and ovarian cancer syndrome (HBOC); Breast and ovarian cancer; Hereditary breast and/or ovarian cancer syndrome; BRCA1- and BRCA2-Associated Hereditary Breast and Ovarian Cancer. Identifiers: Orphanet 145, MedGen C0677776, MeSH D061325, MONDO:0003582. Disease mechanism: loss of function.
Breast-ovarian cancer, familial, susceptibility to, 2 (BROVCA2). Also called: BRCA2 Hereditary Breast and Ovarian Cancer. Identifiers: Orphanet 145, MedGen C2675520, MONDO:0012933, OMIM 612555. Disease mechanism: loss of function.

Submissions (8):

Ambry Genetics
Classification: Uncertain significance for Hereditary cancer-predisposing syndrome. Last evaluated: 2025-04-14. Review status: criteria provided, single submitter. Criteria: Ambry Variant Classification Scheme 2023. Collection method: clinical testing. Allele origin: germline.
Comment: The p.K1057R variant (also known as c.3170A>G), located in coding exon 10 of the BRCA2 gene, results from an A to G substitution at nucleotide position 3170. The lysine at codon 1057 is replaced by arginine, an amino acid with highly similar properties. This variant has been identified in multiple individuals diagnosed with breast and/or ovarian cancer (D&iacute;ez O et al. Hum Mutat, 2003 Oct;22:301-12; Guindalini RSC et al. Sci Rep, 2022 Mar;12:4190). Of note, this alteration is also known as 3398A>G in published literature. This amino acid position is not well conserved in available vertebrate species. In addition, the in silico prediction for this alteration is inconclusive. Based on the available evidence, the clinical significance of this variant remains unclear.

Molecular Diagnostics Laboratory, Catalan Institute of Oncology
Classification: Likely benign for Hereditary cancer-predisposing syndrome. Last evaluated: 2024-10-08. Review status: criteria provided, single submitter. Criteria: ClinGen BRCA1BRCA2 ACMG Specifications BRCA2 V1.0.0. Collection method: clinical testing. Allele origin: germline.
Comment: PM2_Supporting, BP1_Strong c.3170A>G, located in exon 11 of the BRCA2 gene, is predicted to result in the substitution of lysine by arginine at codon 1057, p.(Lys1057Arg). This position is outside a (potentially) clinically important functional domain and, moreover, the SpliceAI algorithm predicts no significant impact on splicing (BP1_strong). It is not present in the population database gnomAD v2.1.1, non cancer dataset (PM2_supporting). To our knowledge, neither relevant clinical data nor well-stablished functional studies have been reported for this variant. In addition, it was also identified in the following databases: BRCA Exchange (Not Yet Reviewed), ClinVar (1x likely benign, 5x uncertain significance) and LOVD (4x not provided). Based on the currently available information, c.3170A>G is classified as a likely benign variant according to ClinGen-BRCA2 Guidelines version v1.0.0.

GeneDx
Classification: Uncertain significance. Last evaluated: 2023-06-26. Review status: criteria provided, single submitter. Criteria: GeneDx Variant Classification Process June 2021. Collection method: clinical testing. Allele origin: germline. Affected: yes.
Comment: Observed in individuals with a personal and/or family history of breast and/or pancreatic cancer (Diez et al., 2003; Salazar et al., 2006; Guindalini et al., 2022); In silico analysis supports that this missense variant does not alter protein structure/function; Not observed at significant frequency in large population cohorts (gnomAD); Also known as 3398A>G; This variant is associated with the following publications: (PMID: 31911673, 35264596, 32377563, 29884841, 15876480, 12955716)

Labcorp Genetics (formerly Invitae), Labcorp
Classification: Uncertain significance for Hereditary breast ovarian cancer syndrome. Last evaluated: 2023-04-22. Review status: criteria provided, single submitter. Criteria: Invitae Variant Classification Sherloc (09022015). Collection method: clinical testing. Allele origin: germline.
Comment: ClinVar contains an entry for this variant (Variation ID: 51417). In summary, the available evidence is currently insufficient to determine the role of this variant in disease. Therefore, it has been classified as a Variant of Uncertain Significance. Advanced modeling of protein sequence and biophysical properties (such as structural, functional, and spatial information, amino acid conservation, physicochemical variation, residue mobility, and thermodynamic stability) performed at Invitae indicates that this missense variant is not expected to disrupt BRCA2 protein function. This missense change has been observed in individual(s) with BRCA2-related cancers (PMID: 15876480). This variant is not present in population databases (gnomAD no frequency). This sequence change replaces lysine, which is basic and polar, with arginine, which is basic and polar, at codon 1057 of the BRCA2 protein (p.Lys1057Arg).

Color Diagnostics, LLC DBA Color Health
Classification: Uncertain significance for Hereditary cancer-predisposing syndrome. Last evaluated: 2023-04-04. Review status: criteria provided, single submitter. Criteria: ACMG Guidelines, 2015. Collection method: clinical testing. Allele origin: germline.
Comment: This missense variant replaces lysine with arginine at codon 1057 of the BRCA2 protein. Computational prediction suggests that this variant may not impact protein structure and function (internally defined REVEL score threshold <= 0.5, PMID: 27666373). To our knowledge, functional studies have not been reported for this variant. This variant has been reported in an individual affected with breast cancer and in two families suspected of being affected with hereditary breast cancer (PMID: 12955716, 15876480, 16685647) and it also has been reported in a breast cancer case-control meta-analysis in 2/60463 cases and 1/53461 unaffected individuals (PMID: 33471991; Leiden Open Variation Database DB-ID BRCA2_000087). This variant has not been identified in the general population by the Genome Aggregation Database (gnomAD). The available evidence is insufficient to determine the role of this variant in disease conclusively. Therefore, this variant is classified as a Variant of Uncertain Significance.

University of Washington Department of Laboratory Medicine, University of Washington
Classification: Likely benign for Hereditary cancer-predisposing syndrome. Last evaluated: 2023-03-23. Review status: criteria provided, single submitter. Criteria: Dines et al. (Genet Med. 2020). Collection method: curation. Allele origin: germline.
Comment: Missense variant in a coldspot region where missense variants are very unlikely to be pathogenic (PMID:31911673).

BRCA2 exon 11 coldspot. Reclassification based on statistical prior probability.

Mendelics
Classification: Uncertain significance for Breast-ovarian cancer, familial, susceptibility to, 2. Last evaluated: 2019-05-28. Review status: criteria provided, single submitter. Criteria: Mendelics Assertion Criteria 2017. Collection method: clinical testing. Allele origin: unknown.

Breast Cancer Information Core (BIC) (BRCA2)
Classification: Uncertain significance for Breast-ovarian cancer, familial 2. Last evaluated: 2004-02-20. Review status: no assertion criteria provided. Collection method: clinical testing. Allele origin: germline. Affected: yes. Observed: 1 variant allele. Not counted in ClinVar's aggregate classification.

Literature cited by the submitters: PubMed 12955716 (cited by Ambry Genetics and Color Diagnostics, LLC DBA Color Health); PubMed 35264596 (cited by Ambry Genetics); PubMed 15876480 (cited by Labcorp Genetics (formerly Invitae), Labcorp and Color Diagnostics, LLC DBA Color Health); PubMed 16685647 (cited by Color Diagnostics, LLC DBA Color Health); PubMed 33471991 (cited by Color Diagnostics, LLC DBA Color Health).